The following is an entry in ClinVar:

ClinVar aggregate classification (germline): Conflicting classifications of pathogenicity. Review status: criteria provided, conflicting classifications (1 of 4 stars). 2 submissions from 2 submitters: Uncertain significance (1); Likely benign (1). Last evaluated 2023-06-02.

Allele frequency attached by ClinVar (database versions not stated): TOPMed 0.00003; gnomAD 0.00005.
gnomAD v4.1: 44 of 1,536,940 alleles (0.0029%); highest among the groups gnomAD compares: Non-Finnish European, 0.0036%; no homozygotes.

Submissions (2):

Ambry Genetics
Classification: Uncertain significance. Last evaluated: 2023-06-02. Review status: criteria provided, single submitter. Criteria: Ambry Variant Classification Scheme 2023. Collection method: clinical testing. Allele origin: germline.

CeGaT Center for Human Genetics Tuebingen
Classification: Likely benign. Last evaluated: 2022-10-01. Review status: criteria provided, single submitter. Criteria: CeGaT Center For Human Genetics Tuebingen Variant Classification Criteria Version 2. Collection method: clinical testing. Allele origin: germline. Affected: yes. Observed: 1 variant allele.
Comment: BICRA: BP4

NM_001394372.1(BICRA):c.2060C>G (p.Pro687Arg)

Gene: BICRA (BRD4 interacting chromatin remodeling complex associated protein; plus strand). Cytogenetic location: 19q13.33.
Variant type: single nucleotide variant.
Coding change: c.2060C>G on transcript NM_001394372.1 (MANE Select); coding-DNA position 2060, C replaced by G.
Protein change: p.Pro687Arg; replaces proline 687 with arginine.
Molecular consequence: missense variant.
Genome position (GRCh38, 1-based): chr19:47,681,230, C>G. VCF-style: chr19-47681230-C-G. GRCh37 (hg19) VCF-style: chr19-48184487-C-G.
Other names: c.2060C>G, p.Pro687Arg (NM_015711.3); short protein forms P687R.
Identifiers: ClinVar variation 2568778 (VCV002568778.26), dbSNP rs1037664603, ClinGen allele CA309234371.